The following is an entry in ClinVar:

NM_001903.5(CTNNA1):c.850A>G (p.Asn284Asp)

Gene: CTNNA1 (catenin alpha 1; plus strand). Cytogenetic location: 5q31.2.
Variant type: single nucleotide variant.
Coding change: c.850A>G on transcript NM_001903.5 (MANE Select); coding-DNA position 850, A replaced by G.
Protein change: p.Asn284Asp; replaces asparagine 284 with aspartic acid.
Molecular consequence: missense variant.
Genome position (GRCh38, 1-based): chr5:138,824,791, A>G. VCF-style: chr5-138824791-A-G. GRCh37 (hg19) VCF-style: chr5-138160480-A-G.
Other names: c.850A>G (NM_001903.2); c.850A>G, p.Asn284Asp (NM_001290307.3, NM_001323982.2, NM_001323983.1 and 3 more transcripts); c.541A>G, p.Asn181Asp (NM_001290309.3); c.481A>G, p.Asn161Asp (NM_001290310.3); short protein forms N181D, N284D, N161D.
Identifiers: ClinVar variation 1463278 (VCV001463278.9), dbSNP rs2149776780, ClinGen allele CA361130308.

ClinVar aggregate classification (germline): Uncertain significance. Review status: criteria provided, multiple submitters, no conflicts (2 of 4 stars). 2 submissions from 2 submitters: Uncertain significance (2). Last evaluated 2026-04-24.

Conditions:
Hereditary cancer-predisposing syndrome. Also called: Tumor predisposition; Neoplastic Syndromes, Hereditary; Hereditary Cancer Syndrome; Hereditary neoplastic syndrome. Identifiers: Orphanet 140162, MedGen C0027672, MeSH D009386, MONDO:0015356.

Submissions (2):

Ambry Genetics
Classification: Uncertain significance for Hereditary cancer-predisposing syndrome. Last evaluated: 2026-04-24. Review status: criteria provided, single submitter. Criteria: Ambry Variant Classification Scheme 2023. Collection method: clinical testing. Allele origin: germline.
Comment: The p.N284D variant (also known as c.850A>G), located in coding exon 5 of the CTNNA1 gene, results from an A to G substitution at nucleotide position 850. The asparagine at codon 284 is replaced by aspartic acid, an amino acid with highly similar properties. This amino acid position is conserved. In addition, this alteration is predicted to be tolerated by in silico analysis. Based on the available evidence, the clinical significance of this variant remains unclear.

Labcorp Genetics (formerly Invitae), Labcorp
Classification: Uncertain significance. Last evaluated: 2021-02-18. Review status: criteria provided, single submitter. Criteria: Invitae Variant Classification Sherloc (09022015). Collection method: clinical testing. Allele origin: germline.
Comment: This sequence change replaces asparagine with aspartic acid at codon 284 of the CTNNA1 protein (p.Asn284Asp). The asparagine residue is highly conserved and there is a small physicochemical difference between asparagine and aspartic acid. This variant is not present in population databases (ExAC no frequency). This variant has not been reported in the literature in individuals with CTNNA1-related conditions. Algorithms developed to predict the effect of missense changes on protein structure and function are either unavailable or do not agree on the potential impact of this missense change (SIFT: "Deleterious"; PolyPhen-2: "Benign"; Align-GVGD: "Class C0"). In summary, the available evidence is currently insufficient to determine the role of this variant in disease. Therefore, it has been classified as a Variant of Uncertain Significance.